The following is an entry in ClinVar:

ClinVar aggregate classification (germline): Uncertain significance. Review status: criteria provided, multiple submitters, no conflicts (2 of 4 stars). 3 submissions from 3 submitters: Uncertain significance (3). Last evaluated 2026-07-21.

Conditions:
TTN-related disorder. Also called: TTN-related condition; TTN-related disease; TTN-related disorders.

Allele frequency attached by ClinVar (database versions not stated): ExAC 0.00001; gnomAD 0.00006; TOPMed 0.00008; ESP Exome Variant Server 0.00016.
gnomAD v4.1: 17 of 1,613,662 alleles (0.0011%); highest among the groups gnomAD compares: African/African-American, 0.023%; no homozygotes.

Submissions (3):

PreventionGenetics, part of Exact Sciences
Classification: Uncertain significance for TTN-related condition. Last evaluated: 2026-07-21. Review status: criteria provided, single submitter. Criteria: ACMG Guidelines, 2015. Collection method: clinical testing. Allele origin: germline.
Comment: The TTN c.17124G>C variant is predicted to result in the amino acid substitution p.Gln5708His. To our knowledge, this variant has not been reported in the literature. This variant is reported in 0.012% of alleles in individuals of African descent in gnomAD. At this time, the clinical significance of this variant is uncertain due to the absence of conclusive functional and genetic evidence.

Women's Health and Genetics/Laboratory Corporation of America, LabCorp
Classification: Uncertain significance. Last evaluated: 2026-06-01. Review status: criteria provided, single submitter. Criteria: LabCorp Variant Classification Summary - May 2015. Collection method: clinical testing. Allele origin: germline.
Comment: Variant summary: TTN NM_133378 c.13392G>C (p.Gln4464His), also known as NM_001267550 c.17124G>C (p.Gln5708His), results in a non-conservative amino acid change in the encoded protein sequence. Algorithms developed to predict the effect of missense changes on protein structure and function are either unavailable or do not agree on the potential impact of this missense change. The variant allele was found at a frequency of 8.1e-06 in 248286 control chromosomes. The available data on variant occurrences in the general population are insufficient to allow any conclusion about variant significance. To our knowledge, no occurrence of c.13392G>C in individuals affected with TTN-related conditions and no experimental evidence demonstrating its impact on protein function have been reported. ClinVar contains an entry for this variant (Variation ID: 2437843). Based on the evidence outlined above, the variant was classified as uncertain significance.

Revvity Omics, Revvity
Classification: Uncertain significance. Last evaluated: 2019-11-25. Review status: criteria provided, single submitter. Criteria: ACMG Guidelines, 2015. Collection method: clinical testing. Allele origin: germline.

NM_001267550.2(TTN):c.17124G>C (p.Gln5708His)

Genes: TTN (titin; minus strand), LOC126806431 (CDK7 strongly-dependent group 2 enhancer GRCh37_chr2:179595719-179596918; plus strand). Cytogenetic location: 2q31.2.
Variant type: single nucleotide variant.
Coding change: c.17124G>C on transcript NM_001267550.2 (MANE Select); coding-DNA position 17124, G replaced by C.
Protein change: p.Gln5708His; replaces glutamine 5708 with histidine.
Molecular consequence: missense variant. On other transcripts: intron variant (3).
Genome position (GRCh38, 1-based): chr2:178,731,751, C>G on the plus strand (G>C on the coding strand, the complement: TTN is on the minus strand). VCF-style: chr2-178731751-C-G. GRCh37 (hg19) VCF-style: chr2-179596478-C-G.
Other names: c.16173G>C, p.Gln5391His (NM_001256850.1); c.13392G>C, p.Gln4464His (NM_133378.4); c.13282+6331G>C (NM_003319.4); c.13858+6331G>C (NM_133437.4); c.13657+6331G>C (NM_133432.3); short protein forms Q4464H, Q5391H, Q5708H.
Identifiers: ClinVar variation 2437843 (VCV002437843.5), dbSNP rs373282814, ClinGen allele CA2001911.